The following is an entry in ClinVar:

NM_006904.7(PRKDC):c.2259+6C>T

Gene: PRKDC (protein kinase, DNA-activated, catalytic subunit; minus strand). Cytogenetic location: 8q11.21.
Variant type: single nucleotide variant.
Coding change: c.2259+6C>T on transcript NM_006904.7 (MANE Select); 6 bases into the intron after coding-DNA position 2259, C replaced by T.
Molecular consequence: intron variant.
Genome position (GRCh38, 1-based): chr8:47,927,765, G>A on the plus strand (C>T on the coding strand, the complement: PRKDC is on the minus strand). VCF-style: chr8-47927765-G-A. GRCh37 (hg19) VCF-style: chr8-48840325-G-A.
Other names: c.2259+6C>T (NM_001081640.2).
Identifiers: ClinVar variation 645678 (VCV000645678.8), dbSNP rs559425878, ClinGen allele CA4741499.

ClinVar aggregate classification (germline): Uncertain significance. Review status: criteria provided, multiple submitters, no conflicts (2 of 4 stars). 2 submissions from 2 submitters: Uncertain significance (2). Last evaluated 2025-05-30.

Conditions:
Severe combined immunodeficiency due to DNA-PKcs deficiency. Also called: IMMUNODEFICIENCY 26 WITH NEUROLOGIC ABNORMALITIES; Immunodeficiency 26 with or without neurologic abnormalities. Identifiers: Orphanet 317425, MedGen C4014833, MONDO:0014423, OMIM 615966.

Allele frequency attached by ClinVar (database versions not stated): gnomAD 0.00001; TOPMed 0.00001; gnomAD exomes 0.00007; ExAC 0.00009; 1000 Genomes Project 0.00040; 1000 Genomes Project 30x 0.00062.
gnomAD v4.1: 53 of 1,518,448 alleles (0.0035%); highest among the groups gnomAD compares: South Asian, 0.05%; 1 homozygote.

Submissions (2):

Labcorp Genetics (formerly Invitae), Labcorp
Classification: Uncertain significance for Severe combined immunodeficiency due to DNA-PKcs deficiency. Last evaluated: 2025-05-30. Review status: criteria provided, single submitter. Criteria: Invitae Variant Classification Sherloc (09022015). Collection method: clinical testing. Allele origin: germline.
Comment: This sequence change falls in intron 20 of the PRKDC gene. It does not directly change the encoded amino acid sequence of the PRKDC protein. It affects a nucleotide within the consensus splice site. This variant is present in population databases (rs559425878, gnomAD 0.06%). This variant has not been reported in the literature in individuals affected with PRKDC-related conditions. ClinVar contains an entry for this variant (Variation ID: 645678). Variants that disrupt the consensus splice site are a relatively common cause of aberrant splicing (PMID: 17576681, 9536098). Algorithms developed to predict the effect of sequence changes on RNA splicing suggest that this variant is not likely to affect RNA splicing. In summary, the available evidence is currently insufficient to determine the role of this variant in disease. Therefore, it has been classified as a Variant of Uncertain Significance.

Women's Health and Genetics/Laboratory Corporation of America, LabCorp
Classification: Uncertain significance. Last evaluated: 2025-01-27. Review status: criteria provided, single submitter. Criteria: LabCorp Variant Classification Summary - May 2015. Collection method: clinical testing. Allele origin: germline.

Literature cited by the submitters: PubMed 17576681 (cited by Labcorp Genetics (formerly Invitae), Labcorp); PubMed 9536098 (cited by Labcorp Genetics (formerly Invitae), Labcorp).